The following is an entry in ClinVar:

ClinVar aggregate classification (germline): Uncertain significance (1 of 4 stars; one submission).

Conditions:
Ehlers-Danlos syndrome, classic type, 1 (EDSCL1). Also called: EHLERS-DANLOS SYNDROME, GRAVIS TYPE; EHLERS-DANLOS SYNDROME, SEVERE CLASSIC TYPE; Ehlers-Danlos syndrome, type 1; Ehlers-Danlos Syndrome, Classic Type, COL5A1-Related; EDS I. Identifiers: MedGen C0268335, MONDO:0019567, OMIM 130000.

Submission:

Labcorp Genetics (formerly Invitae), Labcorp
Classification: Uncertain significance for Ehlers-Danlos syndrome, classic type, 1. Last evaluated: 2022-12-06. Review status: criteria provided, single submitter. Criteria: Invitae Variant Classification Sherloc (09022015). Collection method: clinical testing. Allele origin: germline.
Comment: In summary, the available evidence is currently insufficient to determine the role of this variant in disease. Therefore, it has been classified as a Variant of Uncertain Significance. Variants that disrupt the consensus splice site are a relatively common cause of aberrant splicing (PMID: 17576681, 9536098). Algorithms developed to predict the effect of sequence changes on RNA splicing suggest that this variant is not likely to affect RNA splicing. This variant has not been reported in the literature in individuals affected with COL5A1-related conditions. This variant is not present in population databases (gnomAD no frequency). This sequence change falls in intron 13 of the COL5A1 gene. It does not directly change the encoded amino acid sequence of the COL5A1 protein. It affects a nucleotide within the consensus splice site.

Literature cited by the submitters: PubMed 17576681; PubMed 9536098.

NM_000093.5(COL5A1):c.1662+6T>C

Gene: COL5A1 (collagen type V alpha 1 chain; plus strand). Cytogenetic location: 9q34.3.
Variant type: single nucleotide variant.
Coding change: c.1662+6T>C on transcript NM_000093.5 (MANE Select); 6 bases into the intron after coding-DNA position 1662, T replaced by C.
Molecular consequence: intron variant.
Genome position (GRCh38, 1-based): chr9:134,750,888, T>C. VCF-style: chr9-134750888-T-C. GRCh37 (hg19) VCF-style: chr9-137642734-T-C.
Other names: c.1662+6T>C (NM_001278074.1).
Identifiers: ClinVar variation 2818984 (VCV002818984.3), dbSNP rs2490588348, ClinGen allele CA2739265183.
Genomic context (GRCh38, chr9:134,750,888, plus strand): 5'-CCCCATGGTCTCAGCCCAGGAGTCCCAGGCGCAAGCCATTCTCCAGCAGGCCAGGGTGAG[T>C]ACTGCTGGGTCCCAAGAGGCCTGAAGGGGACAGAGCCCAGCCCCAGGGGCCAACAGGAGT-3'